The following is an entry in ClinVar:

NM_031935.3(HMCN1):c.14777_14778del (p.Ile4926fs)

Gene: HMCN1 (hemicentin 1; plus strand). Cytogenetic location: 1q31.1.
Variant type: Deletion.
Coding change: c.14777_14778del on transcript NM_031935.3 (MANE Select); coding-DNA positions 14777 to 14778, 2 bases deleted (TA; older notation c.14777_14778delTA).
Protein change: p.Ile4926fs; shifts the reading frame from isoleucine 4926.
Molecular consequence: frameshift variant.
Genome position (GRCh38, 1-based): chr1:186,151,624-186,151,625, TA deleted; deleting any 2 consecutive bases within chr1:186,151,623-186,151,625 gives the same sequence; the c. name uses the placement nearest the transcript's 3' end. VCF-style (leftmost placement, unchanged base first): chr1-186151622-GAT-G. GRCh37 (hg19) VCF-style: chr1-186120754-GAT-G.
Other names: short protein forms I4926fs.
Identifiers: ClinVar variation 2756700 (VCV002756700.3), dbSNP rs1558262393, ClinGen allele CA527680237.

ClinVar aggregate classification (germline): Uncertain significance (1 of 4 stars; one submission).

Submission:

Labcorp Genetics (formerly Invitae), Labcorp
Classification: Uncertain significance. Last evaluated: 2023-08-30. Review status: criteria provided, single submitter. Criteria: Invitae Variant Classification Sherloc (09022015). Collection method: clinical testing. Allele origin: germline.
Comment: This variant is present in population databases (no rsID available, gnomAD 0.003%). In summary, the available evidence is currently insufficient to determine the role of this variant in disease. Therefore, it has been classified as a Variant of Uncertain Significance. This variant has not been reported in the literature in individuals affected with HMCN1-related conditions. This sequence change creates a premature translational stop signal (p.Ile4926Serfs*76) in the HMCN1 gene. It is expected to result in an absent or disrupted protein product. However, the current clinical and genetic evidence is not sufficient to establish whether loss-of-function variants in HMCN1 cause disease.